The following is an entry in ClinVar:

ClinVar aggregate classification (germline): Uncertain significance (1 of 4 stars; one submission).

Conditions:
CHARGE syndrome (CHARGE). Also called: Hittner Hirsch Kreh syndrome; CHARGE ASSOCIATION--COLOBOMA, HEART ANOMALY, CHOANAL ATRESIA, RETARDATION, GENITAL AND EAR ANOMALIES; Coloboma, heart anomaly, choanal atresia, retardation, genital and ear anomalies; CHARGE association; Hall-Hittner syndrome. Identifiers: Orphanet 138, MedGen C0265354, MONDO:0008965.

Submission:

Labcorp Genetics (formerly Invitae), Labcorp
Classification: Uncertain significance for CHARGE syndrome. Last evaluated: 2023-03-23. Review status: criteria provided, single submitter. Criteria: Invitae Variant Classification Sherloc (09022015). Collection method: clinical testing. Allele origin: germline.
Comment: This sequence change replaces histidine, which is basic and polar, with glutamine, which is neutral and polar, at codon 271 of the CHD7 protein (p.His271Gln). This variant is not present in population databases (gnomAD no frequency). This variant has not been reported in the literature in individuals affected with CHD7-related conditions. Advanced modeling of protein sequence and biophysical properties (such as structural, functional, and spatial information, amino acid conservation, physicochemical variation, residue mobility, and thermodynamic stability) performed at Invitae indicates that this missense variant is not expected to disrupt CHD7 protein function. In summary, the available evidence is currently insufficient to determine the role of this variant in disease. Therefore, it has been classified as a Variant of Uncertain Significance.

NM_017780.4(CHD7):c.813C>G (p.His271Gln)

Gene: CHD7 (chromodomain helicase DNA binding protein 7; plus strand). Cytogenetic location: 8q12.2.
Variant type: single nucleotide variant.
Coding change: c.813C>G on transcript NM_017780.4 (MANE Select); coding-DNA position 813, C replaced by G.
Protein change: p.His271Gln; replaces histidine 271 with glutamine.
Molecular consequence: missense variant.
Genome position (GRCh38, 1-based): chr8:60,742,245, C>G. VCF-style: chr8-60742245-C-G. GRCh37 (hg19) VCF-style: chr8-61654804-C-G.
Other names: c.813C>G, p.His271Gln (NM_001316690.1); short protein forms H271Q.
Identifiers: ClinVar variation 2817695 (VCV002817695.3), dbSNP rs773253450, ClinGen allele CA371299539.